The following is an entry in ClinVar:

ClinVar aggregate classification (germline): Uncertain significance (1 of 4 stars; one submission).

Conditions:
Inflammatory skin and bowel disease, neonatal, 1. Identifiers: Orphanet 294023, MedGen C3280501, MONDO:0013693, OMIM 614328.

Allele frequency attached by ClinVar (database versions not stated): TOPMed below 0.00001.

Submission:

Labcorp Genetics (formerly Invitae), Labcorp
Classification: Uncertain significance for Inflammatory skin and bowel disease, neonatal, 1. Last evaluated: 2018-04-27. Review status: criteria provided, single submitter. Criteria: Invitae Variant Classification Sherloc (09022015). Collection method: clinical testing. Allele origin: germline.
Comment: This variant is not present in population databases (ExAC no frequency). In summary, the available evidence is currently insufficient to determine the role of this variant in disease. Therefore, it has been classified as a Variant of Uncertain Significance. Algorithms developed to predict the effect of missense changes on protein structure and function do not agree on the potential impact of this missense change (SIFT: "Deleterious"; PolyPhen-2: "Benign"; Align-GVGD: "Class C0"). This variant has not been reported in the literature in individuals with ADAM17-related disease. This sequence change replaces histidine with arginine at codon 444 of the ADAM17 protein (p.His444Arg). The histidine residue is highly conserved and there is a small physicochemical difference between histidine and arginine.

NM_003183.6(ADAM17):c.1331A>G (p.His444Arg)

Genes: ADAM17 (ADAM metallopeptidase domain 17; minus strand), IAH1 (isoamyl acetate hydrolyzing esterase 1 (putative); plus strand). Cytogenetic location: 2p25.1.
Variant type: single nucleotide variant.
Coding change: c.1331A>G on transcript NM_003183.6 (MANE Select); coding-DNA position 1331, A replaced by G.
Protein change: p.His444Arg; replaces histidine 444 with arginine.
Molecular consequence: missense variant.
Genome position (GRCh38, 1-based): chr2:9,509,992, T>C on the plus strand (A>G on the coding strand, the complement: ADAM17 is on the minus strand). VCF-style: chr2-9509992-T-C. GRCh37 (hg19) VCF-style: chr2-9650121-T-C.
Other names: c.1331A>G, p.His444Arg (LRG_1203t1); short protein forms H444R.
Identifiers: ClinVar variation 577914 (VCV000577914.7), dbSNP rs1558506921, ClinGen allele CA345777946.